The following is an entry in ClinVar:

NM_153460.4(IL17RC):c.1674dup (p.Pro559fs)

Gene: IL17RC (interleukin 17 receptor C; plus strand). Cytogenetic location: 3p25.3.
Variant type: Duplication.
Coding change: c.1674dup on transcript NM_153460.4 (MANE Select); coding-DNA position 1674, one base duplicated (G; older notation c.1674dupG).
Protein change: p.Pro559fs; shifts the reading frame from proline 559.
Molecular consequence: frameshift variant. On other transcripts: non-coding transcript variant (1).
Genome position (GRCh38, 1-based): chr3:9,933,104, G duplicated; the last of 4 consecutive G bases (chr3:9,933,101-9,933,104); duplicating any one gives the same sequence. VCF-style (leftmost placement, unchanged base first): chr3-9933100-A-AG. GRCh37 (hg19) VCF-style: chr3-9974784-A-AG.
Other names: c.1887dupG (NM_153461.3); c.1635dup, p.Pro546fs (NM_001203263.2); c.1584dup, p.Pro529fs (NM_001203264.2); c.1578dup, p.Pro527fs (NM_001203265.2); c.1596dup, p.Pro533fs (NM_001367278.1); c.1515dup, p.Pro506fs (NM_001367279.1); c.1590dup, p.Pro531fs (NM_001367280.1); c.1629dup, p.Pro544fs (NM_032732.6); and 1 more; short protein forms P506fs, P527fs, P546fs, P529fs, P533fs, P544fs, P630fs, P531fs.
Identifiers: ClinVar variation 624010 (VCV000624010.48), dbSNP rs1559327071, ClinGen allele CA913190129.
Genomic context (GRCh38, chr3:9,933,100, plus strand): 5'-TGTGCCAGCTGCCGCTGCGCGTGGCCGTAGACCTGTGGAGCCGTCGTGAACTGAGCGCGC[A>AG]GGGGCCCGTGGCTTGGTTTCACGCGCAGCGGCGCCAGACCCTGCAGGAGGGCGGCGTGGT-3'

ClinVar aggregate classification (germline): Conflicting classifications of pathogenicity. Review status: criteria provided, conflicting classifications (1 of 4 stars). 2 submissions from 2 submitters: Likely pathogenic (1); Uncertain significance (1). Last evaluated 2018-09-27.

Conditions:
Candidiasis, familial, 9 (CANDF9). Identifiers: Orphanet 1334, MedGen C4225324, MONDO:0014642, OMIM 616445.

Submissions (2):

Labcorp Genetics (formerly Invitae), Labcorp
Classification: Uncertain significance for Candidiasis, familial, 9. Last evaluated: 2018-09-27. Review status: criteria provided, single submitter. Criteria: Invitae Variant Classification Sherloc (09022015). Collection method: clinical testing. Allele origin: germline.
Comment: This variant is not present in population databases (ExAC no frequency). This sequence change results in a premature translational stop signal in the IL17RC gene (p.Pro630Alafs*136). While this is not anticipated to result in nonsense mediated decay, it is expected to disrupt the last 162 amino acids of the IL17RC protein. This variant has not been reported in the literature in individuals with IL17RC-related disease. Experimental studies are not available for this variant, and the functional significance of the affected amino acid(s) is currently unknown. In summary, the available evidence is currently insufficient to determine the role of this variant in disease. Therefore, it has been classified as a Variant of Uncertain Significance.

CeGaT Center for Human Genetics Tuebingen
Classification: Likely pathogenic. Last evaluated: 2018-07-01. Review status: criteria provided, single submitter. Criteria: CeGaT Center For Human Genetics Tuebingen Variant Classification Criteria Version 2. Collection method: clinical testing. Allele origin: germline. Affected: yes. Observed: 1 variant allele.